The following is an entry in ClinVar:

ClinVar aggregate classification (germline): Uncertain significance (1 of 4 stars; one submission).

gnomAD v4.1: 16 of 1,614,256 alleles (0.00099%); highest among the groups gnomAD compares: Middle Eastern, 0.099%; no homozygotes.

Submission:

Labcorp Genetics (formerly Invitae), Labcorp
Classification: Uncertain significance. Last evaluated: 2025-10-20. Review status: criteria provided, single submitter. Criteria: Invitae Variant Classification Sherloc (09022015). Collection method: clinical testing. Allele origin: germline.
Comment: This sequence change affects codon 410 of the MOCS3 mRNA. It is a 'silent' change, meaning that it does not change the encoded amino acid sequence of the MOCS3 protein. This variant is present in population databases (rs200363022, gnomAD 0.007%). This variant has not been reported in the literature in individuals affected with MOCS3-related conditions. ClinVar contains an entry for this variant (Variation ID: 3714614). In summary, the available evidence is currently insufficient to determine the role of this variant in disease. Therefore, it has been classified as a Variant of Uncertain Significance.

NM_014484.5(MOCS3):c.1230G>C (p.Val410=)

Gene: MOCS3 (molybdenum cofactor synthesis 3; plus strand). Cytogenetic location: 20q13.13.
Variant type: single nucleotide variant.
Coding change: c.1230G>C on transcript NM_014484.5 (MANE Select); coding-DNA position 1230, G replaced by C.
Protein change: p.Val410=; no amino-acid change (valine 410 retained).
Molecular consequence: synonymous variant.
Genome position (GRCh38, 1-based): chr20:50,960,072, G>C. VCF-style: chr20-50960072-G-C. GRCh37 (hg19) VCF-style: chr20-49576609-G-C.
Identifiers: ClinVar variation 3714614 (VCV003714614.2).
Genomic context (GRCh38, chr20:50,960,072, plus strand): 5'-AGAAGCAATCTGGGAAGAGAAGCAGGGCACACAAGAAGGGGCTGCTGTCCCCATTTATGT[G>C]ATTTGCAAACTGGGAAATGACTCACAGAAAGCCGTGAAGATCCTCCAGTCCTTATCAGCA-3'
Protein context (NP_055299.1, residues 400-420): TQEGAAVPIY[Val410=]ICKLGNDSQK